The following is an entry in ClinVar:

NM_001271938.2(MEGF8):c.2166C>T (p.Tyr722=)

Gene: MEGF8 (multiple EGF like domains 8; plus strand). Cytogenetic location: 19q13.2.
Variant type: single nucleotide variant.
Coding change: c.2166C>T on transcript NM_001271938.2 (MANE Select); coding-DNA position 2166, C replaced by T.
Protein change: p.Tyr722=; no amino-acid change (tyrosine 722 retained).
Molecular consequence: synonymous variant. On other transcripts: intron variant (1).
Genome position (GRCh38, 1-based): chr19:42,348,340, C>T. VCF-style: chr19-42348340-C-T. GRCh37 (hg19) VCF-style: chr19-42852492-C-T.
Other names: c.2098-1159C>T (NM_001410.3).
Identifiers: ClinVar variation 4821569 (VCV004821569.5).

ClinVar aggregate classification (germline): Likely benign. Review status: criteria provided, multiple submitters, no conflicts (2 of 4 stars). 2 submissions from 2 submitters: Likely benign (2). Last evaluated 2026-02-01.

gnomAD v4.1: 609 of 1,537,498 alleles (0.04%); highest among the groups gnomAD compares: African/African-American, 0.75%; 2 homozygotes.

Submissions (2):

CeGaT Center for Human Genetics Tuebingen
Classification: Likely benign. Last evaluated: 2026-02-01. Review status: criteria provided, single submitter. Criteria: CeGaT Center For Human Genetics Tuebingen Variant Classification Criteria Version 2. Collection method: clinical testing. Allele origin: germline. Affected: yes. Observed: 1 variant allele.
Comment: MEGF8: BP4, BP7

Blueprint Genetics
Classification: Likely benign. Last evaluated: 2024-11-13. Review status: criteria provided, single submitter. Criteria: ACMG Guidelines, 2015. Collection method: clinical testing. Allele origin: germline.